The following is an entry in ClinVar:

NM_001330360.2(POLA1):c.1484T>A (p.Met495Lys)

Gene: POLA1 (DNA polymerase alpha 1, catalytic subunit; plus strand). Cytogenetic location: Xp22.11.
Variant type: single nucleotide variant.
Coding change: c.1484T>A on transcript NM_001330360.2 (MANE Select); coding-DNA position 1484, T replaced by A.
Protein change: p.Met495Lys; replaces methionine 495 with lysine.
Molecular consequence: missense variant. On other transcripts: non-coding transcript variant (2).
Genome position (GRCh38, 1-based): chrX:24,727,024, T>A. VCF-style: chrX-24727024-T-A. GRCh37 (hg19) VCF-style: chrX-24745141-T-A.
Other names: c.1409T>A, p.Met470Lys (NM_001378303.1); c.1466T>A, p.Met489Lys (NM_016937.4); short protein forms M470K, M489K, M495K.
Identifiers: ClinVar variation 3369266 (VCV003369266.1).

ClinVar aggregate classification (germline): Uncertain significance (1 of 4 stars; one submission).

Submission:

GeneDx
Classification: Uncertain significance. Last evaluated: 2024-02-14. Review status: criteria provided, single submitter. Criteria: GeneDx Variant Classification Process June 2021. Collection method: clinical testing. Allele origin: germline. Affected: yes.
Comment: Not observed at significant frequency in large population cohorts (gnomAD); In silico analysis supports that this missense variant has a deleterious effect on protein structure/function; Has not been previously published as pathogenic or benign to our knowledge